The following is an entry in ClinVar:

NM_001253697.2(ERBIN):c.4142A>G (p.Tyr1381Cys)

Gene: ERBIN (erbb2 interacting protein; plus strand). Cytogenetic location: 5q12.3.
Variant type: single nucleotide variant.
Coding change: c.4142A>G on transcript NM_001253697.2 (MANE Select); coding-DNA position 4142, A replaced by G.
Protein change: p.Tyr1381Cys; replaces tyrosine 1381 with cysteine.
Molecular consequence: missense variant.
Genome position (GRCh38, 1-based): chr5:66,078,433, A>G. VCF-style: chr5-66078433-A-G. GRCh37 (hg19) VCF-style: chr5-65374261-A-G.
Other names: c.3812A>G, p.Tyr1271Cys (NM_001006600.3); c.3944A>G, p.Tyr1315Cys (NM_001253698.2); c.4163A>G, p.Tyr1388Cys (NM_001253699.2); c.4007A>G, p.Tyr1336Cys (NM_001253701.2); c.4019A>G, p.Tyr1340Cys (NM_018695.4); c.4019A>G (NM_018695.2); short protein forms Y1340C, Y1388C, Y1271C, Y1315C, Y1381C, Y1336C.
Identifiers: ClinVar variation 1385158 (VCV001385158.7), dbSNP rs368319086, ClinGen allele CA3286839.

ClinVar aggregate classification (germline): Uncertain significance. Review status: criteria provided, multiple submitters, no conflicts (2 of 4 stars). 2 submissions from 2 submitters: Uncertain significance (2). Last evaluated 2025-04-09.

Allele frequency attached by ClinVar (database versions not stated): gnomAD exomes 0.00003 and 0.00009; ExAC 0.00012; 1000 Genomes Project 30x 0.00031; gnomAD 0.00032 and 0.00037; TOPMed 0.00037; ESP Exome Variant Server 0.00038; 1000 Genomes Project 0.00040.
gnomAD v4.1: 97 of 1,577,934 alleles (0.0061%); highest among the groups gnomAD compares: African/African-American, 0.12%; no homozygotes.

Submissions (2):

Labcorp Genetics (formerly Invitae), Labcorp
Classification: Uncertain significance. Last evaluated: 2025-04-09. Review status: criteria provided, single submitter. Criteria: Invitae Variant Classification Sherloc (09022015). Collection method: clinical testing. Allele origin: germline.
Comment: This sequence change replaces tyrosine, which is neutral and polar, with cysteine, which is neutral and slightly polar, at codon 1381 of the ERBIN protein (p.Tyr1381Cys). This variant is present in population databases (rs368319086, gnomAD 0.1%), and has an allele count higher than expected for a pathogenic variant. This variant has not been reported in the literature in individuals affected with ERBIN-related conditions. ClinVar contains an entry for this variant (Variation ID: 1385158). An algorithm developed to predict the effect of missense changes on protein structure and function (PolyPhen-2) suggests that this variant is likely to be disruptive. In summary, the available evidence is currently insufficient to determine the role of this variant in disease. Therefore, it has been classified as a Variant of Uncertain Significance.

Ambry Genetics
Classification: Uncertain significance. Last evaluated: 2021-09-16. Review status: criteria provided, single submitter. Criteria: Ambry Variant Classification Scheme 2023. Collection method: clinical testing. Allele origin: germline.